The following is an entry in ClinVar:

ClinVar aggregate classification (germline): Uncertain significance. Review status: criteria provided, multiple submitters, no conflicts (2 of 4 stars). 5 submissions from 5 submitters: Uncertain significance (5). Last evaluated 2025-11-09.

Conditions:
Cardiovascular phenotype. Identifiers: MedGen CN230736.
Keratosis palmoplantaris striata 2. Also called: KERATODERMA, PALMOPLANTAR, STRIATE FORM II; STRIATE PALMOPLANTAR KERATODERMA II; Keratosis palmoplantaris striata II. Identifiers: MedGen C1852127, MONDO:0013034, OMIM 612908.
Arrhythmogenic right ventricular dysplasia 8 (ARVD8). Also called: Arrhythmogenic Right Ventricular Dysplasia/Cardiomyopathy 8; ARRHYTHMOGENIC RIGHT VENTRICULAR DYSPLASIA, FAMILIAL, 8; ARRHYTHMOGENIC RIGHT VENTRICULAR CARDIOMYOPATHY 8. Identifiers: MedGen C1843896, MONDO:0011831, OMIM 607450.
Arrhythmogenic cardiomyopathy with wooly hair and keratoderma. Also called: PALMOPLANTAR KERATODERMA WITH LEFT VENTRICULAR CARDIOMYOPATHY AND WOOLLY HAIR; Carvajal syndrome; Dilated cardiomyopathy with woolly hair and keratoderma; Arrhythmogenic cardiomyopathy with woolly hair and keratoderma. Identifiers: Orphanet 65282, MedGen C1854063, MONDO:0011581, OMIM 605676.
Woolly hair-skin fragility syndrome (WHSF). Identifiers: Orphanet 293165, MedGen C1843292, MONDO:0957307, OMIM 620415.
Cardiomyopathy, dilated, with wooly hair, keratoderma, and tooth agenesis. Also called: Cardiomyopathy, dilated, with woolly hair, keratoderma, and tooth agenesis; Erythrokeratodermia-cardiomyopathy syndrome. Identifiers: Orphanet 476096, Orphanet 65282, MedGen C4014393, MONDO:0014355, OMIM 615821.
Lethal acantholytic epidermolysis bullosa (EBLA). Identifiers: Orphanet 158687, MedGen C1864826, MONDO:0012323, OMIM 609638.
Cardiomyopathy (CMYO). Also called: Cardiomyopathies. Identifiers: Orphanet 167848, MedGen C0878544, MONDO:0004994, HP:0001638. Inheritance: Various modes of inheritance.

Allele frequency attached by ClinVar (database versions not stated): TOPMed below 0.00001; ExAC 0.00001.
gnomAD v4.1: 2 of 1,613,456 alleles (0.00012%); highest among the groups gnomAD compares: Middle Eastern, 0.017%; no homozygotes.

Submissions (5):

Labcorp Genetics (formerly Invitae), Labcorp
Classification: Uncertain significance for Arrhythmogenic cardiomyopathy with wooly hair and keratoderma; Arrhythmogenic right ventricular dysplasia 8. Last evaluated: 2025-11-09. Review status: criteria provided, single submitter. Criteria: Invitae Variant Classification Sherloc (09022015). Collection method: clinical testing. Allele origin: germline.
Comment: This sequence change replaces phenylalanine, which is neutral and non-polar, with isoleucine, which is neutral and non-polar, at codon 379 of the DSP protein (p.Phe379Ile). This variant is present in population databases (rs757853478, gnomAD 0.0009%). This variant has not been reported in the literature in individuals affected with DSP-related conditions. ClinVar contains an entry for this variant (Variation ID: 925425). An algorithm developed to predict the effect of missense changes on protein structure and function (PolyPhen-2) suggests that this variant is likely to be disruptive. In summary, the available evidence is currently insufficient to determine the role of this variant in disease. Therefore, it has been classified as a Variant of Uncertain Significance.

Color Diagnostics, LLC DBA Color Health
Classification: Uncertain significance for Cardiomyopathy. Last evaluated: 2024-03-06. Review status: criteria provided, single submitter. Criteria: ACMG Guidelines, 2015. Collection method: clinical testing. Allele origin: germline.
Comment: This missense variant replaces phenylalanine with isoleucine at codon 379 of the DSP protein. Computational prediction suggests that this variant may have a deleterious impact on protein structure and function (internally defined REVEL score threshold >= 0.7, PMID: 27666373). To our knowledge, functional studies have not been reported for this variant. This variant has not been reported in individuals affected with DSP-related disorders in the literature. This variant has been identified in 1/251058 chromosomes in the general population by the Genome Aggregation Database (gnomAD). The available evidence is insufficient to determine the role of this variant in disease conclusively. Therefore, this variant is classified as a Variant of Uncertain Significance.

All of Us Research Program, National Institutes of Health
Classification: Uncertain significance for Arrhythmogenic cardiomyopathy with wooly hair and keratoderma. Last evaluated: 2024-03-05. Review status: criteria provided, single submitter. Criteria: ACMG Guidelines, 2015. Collection method: clinical testing. Allele origin: germline. Inheritance: Autosomal dominant inheritance. Observed: 2 variant alleles, 2 heterozygotes.
Comment: This missense variant replaces phenylalanine with isoleucine at codon 379 of the DSP protein. Computational prediction suggests that this variant may have a deleterious impact on protein structure and function (internally defined REVEL score threshold >= 0.7, PMID: 27666373). To our knowledge, functional studies have not been reported for this variant. This variant has not been reported in individuals affected with DSP-related disorders in the literature. This variant has been identified in 1/251058 chromosomes in the general population by the Genome Aggregation Database (gnomAD). The available evidence is insufficient to determine the role of this variant in disease conclusively. Therefore, this variant is classified as a Variant of Uncertain Significance.

This study involves interpretation of variants in research participants for the purpose of population health screening. Participant phenotype was not available at the time of variant classification. Additional details can be found in publication PMID: 35346344, PMCID: PMC8962531

Ambry Genetics
Classification: Uncertain significance for Cardiovascular phenotype. Last evaluated: 2022-10-02. Review status: criteria provided, single submitter. Criteria: Ambry Variant Classification Scheme 2023. Collection method: clinical testing. Allele origin: germline.
Comment: The p.F379I variant (also known as c.1135T>A), located in coding exon 9 of the DSP gene, results from a T to A substitution at nucleotide position 1135. The phenylalanine at codon 379 is replaced by isoleucine, an amino acid with highly similar properties. This amino acid position is conserved. In addition, this alteration is predicted to be deleterious by in silico analysis. Since supporting evidence is limited at this time, the clinical significance of this alteration remains unclear.

Fulgent Genetics
Classification: Uncertain significance for Arrhythmogenic cardiomyopathy with wooly hair and keratoderma; Arrhythmogenic right ventricular dysplasia 8; Lethal acantholytic epidermolysis bullosa; Keratosis palmoplantaris striata 2; Cardiomyopathy, dilated, with wooly hair, keratoderma, and tooth agenesis. Last evaluated: 2021-09-17. Review status: criteria provided, single submitter. Criteria: ACMG Guidelines, 2015. Collection method: clinical testing. Allele origin: unknown.

NM_004415.4(DSP):c.1135T>A (p.Phe379Ile)

Gene: DSP (desmoplakin; plus strand). Cytogenetic location: 6p24.3.
Variant type: single nucleotide variant.
Coding change: c.1135T>A on transcript NM_004415.4 (MANE Select); coding-DNA position 1135, T replaced by A.
Protein change: p.Phe379Ile; replaces phenylalanine 379 with isoleucine.
Molecular consequence: missense variant.
Genome position (GRCh38, 1-based): chr6:7,567,444, T>A. VCF-style: chr6-7567444-T-A. GRCh37 (hg19) VCF-style: chr6-7567677-T-A.
Other names: c.1135T>A, p.Phe379Ile (NM_001008844.3, NM_001319034.2); short protein forms F379I.
Identifiers: ClinVar variation 925425 (VCV000925425.19), dbSNP rs757853478, ClinGen allele CA026991.